The following is an entry in ClinVar:

NM_176787.5(PIGN):c.1110G>C (p.Gln370His)

Gene: PIGN (phosphatidylinositol glycan anchor biosynthesis class N; minus strand). Cytogenetic location: 18q21.33.
Variant type: single nucleotide variant.
Coding change: c.1110G>C on transcript NM_176787.5 (MANE Select); coding-DNA position 1110, G replaced by C.
Protein change: p.Gln370His; replaces glutamine 370 with histidine.
Molecular consequence: missense variant.
Genome position (GRCh38, 1-based): chr18:62,138,989, C>G on the plus strand (G>C on the coding strand, the complement: PIGN is on the minus strand). VCF-style: chr18-62138989-C-G. GRCh37 (hg19) VCF-style: chr18-59806222-C-G.
Other names: c.1110G>C, p.Gln370His (NM_012327.6); short protein forms Q370H.
Identifiers: ClinVar variation 472205 (VCV000472205.10), dbSNP rs185022348, ClinGen allele CA8982397.

ClinVar aggregate classification (germline): Uncertain significance. Review status: criteria provided, multiple submitters, no conflicts (2 of 4 stars). 4 submissions from 4 submitters: Uncertain significance (4). Last evaluated 2025-12-31.

Conditions:
Multiple congenital anomalies-hypotonia-seizures syndrome 1 (MCAHS1). Also called: PIGN-CDG; Congenital disorder of glycosylation due to PIGN deficiency; GLYCOSYLPHOSPHATIDYLINOSITOL BIOSYNTHESIS DEFECT 3. Identifiers: Orphanet 280633, MedGen C3279775, MONDO:0013563, OMIM 614080.
Inborn genetic diseases. Identifiers: MedGen C0950123, MeSH D030342.

Allele frequency attached by ClinVar (database versions not stated): gnomAD exomes 0.00002; ExAC 0.00003; gnomAD 0.00013; 1000 Genomes Project 0.00020; TOPMed 0.00029; 1000 Genomes Project 30x 0.00031.
gnomAD v4.1: 33 of 1,589,630 alleles (0.0021%); highest among the groups gnomAD compares: Admixed American, 0.044%; no homozygotes.

Submissions (4):

Women's Health and Genetics/Laboratory Corporation of America, LabCorp
Classification: Uncertain significance. Last evaluated: 2025-12-31. Review status: criteria provided, single submitter. Criteria: LabCorp Variant Classification Summary - May 2015. Collection method: clinical testing. Allele origin: germline.
Comment: Variant summary: PIGN c.1110G>C (p.Gln370His) results in a non-conservative amino acid change in the encoded protein sequence. Algorithms developed to predict the effect of missense changes on protein structure and function are either unavailable or do not agree on the potential impact of this missense change. The variant allele was found at a frequency of 2.1e-05 in 240252 control chromosomes. The available data on variant occurrences in the general population are insufficient to allow any conclusion about variant significance. To our knowledge, no occurrence of c.1110G>C in individuals affected with PIGN-related conditions and no experimental evidence demonstrating its impact on protein function have been reported. ClinVar contains an entry for this variant (Variation ID: 472205). Based on the evidence outlined above, the variant was classified as uncertain significance.

Labcorp Genetics (formerly Invitae), Labcorp
Classification: Uncertain significance for Multiple congenital anomalies-hypotonia-seizures syndrome 1. Last evaluated: 2025-02-03. Review status: criteria provided, single submitter. Criteria: Invitae Variant Classification Sherloc (09022015). Collection method: clinical testing. Allele origin: germline.
Comment: This sequence change replaces glutamine, which is neutral and polar, with histidine, which is basic and polar, at codon 370 of the PIGN protein (p.Gln370His). This variant is present in population databases (rs185022348, gnomAD 0.006%). This variant has not been reported in the literature in individuals affected with PIGN-related conditions. ClinVar contains an entry for this variant (Variation ID: 472205). Invitae Evidence Modeling of protein sequence and biophysical properties (such as structural, functional, and spatial information, amino acid conservation, physicochemical variation, residue mobility, and thermodynamic stability) indicates that this missense variant is not expected to disrupt PIGN protein function with a negative predictive value of 80%. In summary, the available evidence is currently insufficient to determine the role of this variant in disease. Therefore, it has been classified as a Variant of Uncertain Significance.

Athena Diagnostics
Classification: Uncertain significance. Last evaluated: 2022-09-08. Review status: criteria provided, single submitter. Criteria: Athena Diagnostics Criteria. Collection method: clinical testing. Allele origin: unknown.

Ambry Genetics
Classification: Uncertain significance for Inborn genetic diseases. Last evaluated: 2021-09-18. Review status: criteria provided, single submitter. Criteria: Ambry Variant Classification Scheme 2023. Collection method: clinical testing. Allele origin: germline.